The following is an entry in ClinVar:

NM_004360.5(CDH1):c.695C>G (p.Ser232Cys)

Gene: CDH1 (cadherin 1; plus strand). Cytogenetic location: 16q22.1.
Variant type: single nucleotide variant.
Coding change: c.695C>G on transcript NM_004360.5 (MANE Select); coding-DNA position 695, C replaced by G.
Protein change: p.Ser232Cys; replaces serine 232 with cysteine.
Molecular consequence: missense variant. On other transcripts: 5 prime UTR variant (2).
Genome position (GRCh38, 1-based): chr16:68,810,204, C>G. VCF-style: chr16-68810204-C-G. GRCh37 (hg19) VCF-style: chr16-68844107-C-G.
Other names: c.695C>G (LRG_301t1); c.695C>G, p.Ser232Cys (NM_001317184.2); c.-921C>G (NM_001317185.2); c.-1125C>G (NM_001317186.2); short protein forms S232C.
Identifiers: ClinVar variation 483278 (VCV000483278.17), dbSNP rs1555515422, ClinGen allele CA396458383.

ClinVar aggregate classification (germline): Uncertain significance. Review status: criteria provided, multiple submitters, no conflicts (2 of 4 stars). 2 submissions from 2 submitters: Uncertain significance (2). Last evaluated 2025-12-03.

Conditions:
Hereditary cancer-predisposing syndrome. Also called: Hereditary neoplastic syndrome; Neoplastic Syndromes, Hereditary; Tumor predisposition; Hereditary Cancer Syndrome. Identifiers: Orphanet 140162, MedGen C0027672, MeSH D009386, MONDO:0015356.
Hereditary diffuse gastric adenocarcinoma (HDGC). Also called: DIFFUSE GASTRIC AND LOBULAR BREAST CANCER SYNDROME. Identifiers: Orphanet 26106, MedGen C1708349, MONDO:0007648, OMIM 137215.

Submissions (2):

Ambry Genetics
Classification: Uncertain significance for Hereditary cancer-predisposing syndrome. Last evaluated: 2025-12-03. Review status: criteria provided, single submitter. Criteria: Ambry Variant Classification Scheme 2023. Collection method: clinical testing. Allele origin: germline.
Comment: The p.S232C variant (also known as c.695C>G), located in coding exon 6 of the CDH1 gene, results from a C to G substitution at nucleotide position 695. The serine at codon 232 is replaced by cysteine, an amino acid with dissimilar properties. This amino acid position is well conserved in available vertebrate species. In addition, the in silico prediction for this alteration is inconclusive. Based on the available evidence, the clinical significance of this variant remains unclear.

Labcorp Genetics (formerly Invitae), Labcorp
Classification: Uncertain significance for Hereditary diffuse gastric adenocarcinoma. Last evaluated: 2022-05-24. Review status: criteria provided, single submitter. Criteria: Invitae Variant Classification Sherloc (09022015). Collection method: clinical testing. Allele origin: germline.
Comment: In summary, the available evidence is currently insufficient to determine the role of this variant in disease. Therefore, it has been classified as a Variant of Uncertain Significance. Algorithms developed to predict the effect of missense changes on protein structure and function are either unavailable or do not agree on the potential impact of this missense change (SIFT: "Deleterious"; PolyPhen-2: "Probably Damaging"; Align-GVGD: "Class C15"). ClinVar contains an entry for this variant (Variation ID: 483278). This variant has not been reported in the literature in individuals affected with CDH1-related conditions. This variant is not present in population databases (gnomAD no frequency). This sequence change replaces serine, which is neutral and polar, with cysteine, which is neutral and slightly polar, at codon 232 of the CDH1 protein (p.Ser232Cys).

Literature cited by the submitters: PubMed 22470475 (cited by Ambry Genetics).